The following is an entry in ClinVar:

ClinVar aggregate classification (germline): Uncertain significance (1 of 4 stars; one submission).

Conditions:
Inborn genetic diseases. Identifiers: MedGen C0950123, MeSH D030342.

gnomAD v4.1: 6 of 1,608,804 alleles (0.00037%); highest among the groups gnomAD compares: Non-Finnish European, 0.00051%; no homozygotes.

Submission:

Ambry Genetics
Classification: Uncertain significance for Inborn genetic diseases. Last evaluated: 2024-11-27. Review status: criteria provided, single submitter. Criteria: Ambry Variant Classification Scheme 2023. Collection method: clinical testing. Allele origin: germline.
Comment: The p.G162V variant (also known as c.485G>T), located in coding exon 5 of the PAX5 gene, results from a G to T substitution at nucleotide position 485. The glycine at codon 162 is replaced by valine, an amino acid with dissimilar properties. This amino acid position is conserved. In addition, the in silico prediction for this alteration is inconclusive. Based on the available evidence, the clinical significance of this variant remains unclear.

NM_016734.3(PAX5):c.485G>T (p.Gly162Val)

Genes: PAX5 (paired box 5; minus strand), LOC105376032 (uncharacterized LOC105376032; plus strand). Cytogenetic location: 9p13.2.
Variant type: single nucleotide variant.
Coding change: c.485G>T on transcript NM_016734.3 (MANE Select); coding-DNA position 485, G replaced by T.
Protein change: p.Gly162Val; replaces glycine 162 with valine.
Molecular consequence: missense variant. On other transcripts: non-coding transcript variant (4), intron variant (2).
Genome position (GRCh38, 1-based): chr9:37,002,767, C>A on the plus strand (G>T on the coding strand, the complement: PAX5 is on the minus strand). VCF-style: chr9-37002767-C-A. GRCh37 (hg19) VCF-style: chr9-37002764-C-A.
Other names: c.485G>T, p.Gly162Val (NM_001280547.2, NM_001280548.2, NM_001280549.2 and 2 more transcripts); c.161G>T, p.Gly54Val (NM_001280551.2, NM_001280556.2); c.287G>T, p.Gly96Val (NM_001280555.2); c.475+3706G>T (NM_001280553.2, NM_001280554.2); short protein forms G96V, G54V, G162V.
Identifiers: ClinVar variation 3414541 (VCV003414541.1).
Genomic context (GRCh38, chr9:37,002,767, plus strand): 5'-CTGATGGAGTACGACGAGCCGGCCGAATCCGTGCTCACCGAGGACACCTGCGTCACGGAG[C>A]CAGTGGACACTGCGCGGAGAAAGACGGGCGGTCAGGGCCGCAGAGGGCTGAGGGCGGCGG-3'
Protein context (NP_057953.1, residues 152-172): PASSHSIVST[Gly162Val]SVTQVSSVST